The following is an entry in ClinVar:

ClinVar aggregate classification (germline): Uncertain significance. Review status: criteria provided, multiple submitters, no conflicts (2 of 4 stars). 2 submissions from 2 submitters: Uncertain significance (2). Last evaluated 2024-01-29.

Conditions:
Cardiovascular phenotype. Identifiers: MedGen CN230736.
Progressive familial heart block type IB (PFHB1B). Identifiers: Orphanet 871, MedGen C1970298, MONDO:0011474, OMIM 604559.

Allele frequency attached by ClinVar (database versions not stated): TOPMed below 0.00001; gnomAD 0.00001.
gnomAD v4.1: 2 of 1,613,990 alleles (0.00012%); highest among the groups gnomAD compares: Non-Finnish European, 0.00017%; no homozygotes.

Submissions (2):

Ambry Genetics
Classification: Uncertain significance for Cardiovascular phenotype. Last evaluated: 2024-01-29. Review status: criteria provided, single submitter. Criteria: Ambry Variant Classification Scheme 2023. Collection method: clinical testing. Allele origin: germline.
Comment: The p.A467G variant (also known as c.1400C>G), located in coding exon 11 of the TRPM4 gene, results from a C to G substitution at nucleotide position 1400. The alanine at codon 467 is replaced by glycine, an amino acid with similar properties. This amino acid position is conserved. In addition, this alteration is predicted to be tolerated by in silico analysis. Based on the available evidence, the clinical significance of this alteration remains unclear.

Labcorp Genetics (formerly Invitae), Labcorp
Classification: Uncertain significance for Progressive familial heart block type IB. Last evaluated: 2021-10-08. Review status: criteria provided, single submitter. Criteria: Invitae Variant Classification Sherloc (09022015). Collection method: clinical testing. Allele origin: germline.
Comment: This sequence change replaces alanine with glycine at codon 467 of the TRPM4 protein (p.Ala467Gly). The alanine residue is weakly conserved and there is a small physicochemical difference between alanine and glycine. This variant is not present in population databases (ExAC no frequency). This variant has not been reported in the literature in individuals affected with TRPM4-related conditions. Algorithms developed to predict the effect of missense changes on protein structure and function are either unavailable or do not agree on the potential impact of this missense change (SIFT: "Tolerated"; PolyPhen-2: "Possibly Damaging"; Align-GVGD: "Class C0"). In summary, the available evidence is currently insufficient to determine the role of this variant in disease. Therefore, it has been classified as a Variant of Uncertain Significance.

NM_017636.4(TRPM4):c.1400C>G (p.Ala467Gly)

Gene: TRPM4 (transient receptor potential cation channel subfamily M member 4; plus strand). Cytogenetic location: 19q13.33.
Variant type: single nucleotide variant.
Coding change: c.1400C>G on transcript NM_017636.4 (MANE Select); coding-DNA position 1400, C replaced by G.
Protein change: p.Ala467Gly; replaces alanine 467 with glycine.
Molecular consequence: missense variant. On other transcripts: 5 prime UTR variant (1).
Genome position (GRCh38, 1-based): chr19:49,182,714, C>G. VCF-style: chr19-49182714-C-G. GRCh37 (hg19) VCF-style: chr19-49685971-C-G.
Other names: c.1400C>G, p.Ala467Gly (NM_001195227.2); c.1055C>G, p.Ala352Gly (NM_001321281.2); c.-154C>G (NM_001321282.2); c.878C>G, p.Ala293Gly (NM_001321283.2); c.338C>G, p.Ala113Gly (NM_001321285.2); c.1400C>G (NM_017636.3); short protein forms A467G, A113G, A293G, A352G.
Identifiers: ClinVar variation 1357789 (VCV001357789.7), dbSNP rs971423086, ClinGen allele CA309442910.